The following is an entry in ClinVar:

NM_005188.4(CBL):c.251T>C (p.Ile84Thr)

Gene: CBL (Cbl proto-oncogene; plus strand). Cytogenetic location: 11q23.3.
Variant type: single nucleotide variant.
Coding change: c.251T>C on transcript NM_005188.4 (MANE Select); coding-DNA position 251, T replaced by C.
Protein change: p.Ile84Thr; replaces isoleucine 84 with threonine.
Molecular consequence: missense variant.
Genome position (GRCh38, 1-based): chr11:119,232,503, T>C. VCF-style: chr11-119232503-T-C. GRCh37 (hg19) VCF-style: chr11-119103213-T-C.
Other names: c.251T>C (NM_005188.2); short protein forms I84T.
Identifiers: ClinVar variation 1913550 (VCV001913550.7), dbSNP rs779595064, ClinGen allele CA6318250.

ClinVar aggregate classification (germline): Uncertain significance. Review status: criteria provided, multiple submitters, no conflicts (2 of 4 stars). 3 submissions from 3 submitters: Uncertain significance (3). Last evaluated 2024-06-30.

Conditions:
Cardiovascular phenotype. Identifiers: MedGen CN230736.
RASopathy. Also called: Noonan spectrum disorder; rasopathies. Identifiers: Orphanet 536391, MedGen C5555857, MONDO:0021060.

Allele frequency attached by ClinVar (database versions not stated): gnomAD exomes below 0.00001; TOPMed below 0.00001; ExAC 0.00002.
gnomAD v4.1: 2 of 1,614,088 alleles (0.00012%); highest among the groups gnomAD compares: Admixed American, 0.0033%; no homozygotes.

Submissions (3):

Women's Health and Genetics/Laboratory Corporation of America, LabCorp
Classification: Uncertain significance. Last evaluated: 2024-06-30. Review status: criteria provided, single submitter. Criteria: LabCorp Variant Classification Summary - May 2015. Collection method: clinical testing. Allele origin: germline.

Ambry Genetics
Classification: Uncertain significance for Cardiovascular phenotype. Last evaluated: 2024-02-16. Review status: criteria provided, single submitter. Criteria: Ambry Variant Classification Scheme 2023. Collection method: clinical testing. Allele origin: germline.
Comment: The p.I84T variant (also known as c.251T>C), located in coding exon 2 of the CBL gene, results from a T to C substitution at nucleotide position 251. The isoleucine at codon 84 is replaced by threonine, an amino acid with similar properties. This amino acid position is conserved. In addition, this alteration is predicted to be deleterious by in silico analysis. Based on the available evidence, the clinical significance of this alteration remains unclear.

Labcorp Genetics (formerly Invitae), Labcorp
Classification: Uncertain significance for RASopathy. Last evaluated: 2022-07-07. Review status: criteria provided, single submitter. Criteria: Invitae Variant Classification Sherloc (09022015). Collection method: clinical testing. Allele origin: germline.
Comment: This variant has not been reported in the literature in individuals affected with CBL-related conditions. This variant is present in population databases (rs779595064, gnomAD 0.006%). This sequence change replaces isoleucine, which is neutral and non-polar, with threonine, which is neutral and polar, at codon 84 of the CBL protein (p.Ile84Thr). Advanced modeling of protein sequence and biophysical properties (such as structural, functional, and spatial information, amino acid conservation, physicochemical variation, residue mobility, and thermodynamic stability) performed at Invitae indicates that this missense variant is expected to disrupt CBL protein function. In summary, the available evidence is currently insufficient to determine the role of this variant in disease. Therefore, it has been classified as a Variant of Uncertain Significance.